The following is an entry in ClinVar:

ClinVar aggregate classification (germline): Uncertain significance (1 of 4 stars; one submission).

Conditions:
Charcot-Marie-Tooth disease axonal type 2O. Also called: Charcot-Marie-Tooth disease, axonal, type 20; CHARCOT-MARIE-TOOTH NEUROPATHY, AXONAL, TYPE 2O; CHARCOT-MARIE-TOOTH DISEASE, AXONAL, AUTOSOMAL DOMINANT, TYPE 2O; Charcot-Marie-Tooth Neuropathy Type 2O. Identifiers: Orphanet 284232, MedGen C3280220, MONDO:0013644, OMIM 614228.

Submission:

Labcorp Genetics (formerly Invitae), Labcorp
Classification: Uncertain significance for Charcot-Marie-Tooth disease axonal type 2O. Last evaluated: 2025-10-01. Review status: criteria provided, single submitter. Criteria: Invitae Variant Classification Sherloc (09022015). Collection method: clinical testing. Allele origin: germline.
Comment: This sequence change falls in intron 24 of the DYNC1H1 gene. It does not directly change the encoded amino acid sequence of the DYNC1H1 protein. It affects a nucleotide within the consensus splice site. This variant is not present in population databases (gnomAD no frequency). This variant has not been reported in the literature in individuals affected with DYNC1H1-related conditions. ClinVar contains an entry for this variant (Variation ID: 1063643). Variants that disrupt the consensus splice site are a relatively common cause of aberrant splicing (PMID: 17576681, 9536098). Algorithms developed to predict the effect of sequence changes on RNA splicing suggest that this variant is not likely to affect RNA splicing. In summary, the available evidence is currently insufficient to determine the role of this variant in disease. Therefore, it has been classified as a Variant of Uncertain Significance.

Literature cited by the submitters: PubMed 17576681; PubMed 9536098.

NM_001376.5(DYNC1H1):c.5049+5del

Gene: DYNC1H1 (dynein cytoplasmic 1 heavy chain 1; plus strand). Cytogenetic location: 14q32.31.
Variant type: Deletion.
Coding change: c.5049+5del on transcript NM_001376.5 (MANE Select); 5 bases into the intron after coding-DNA position 5049, one base deleted (A; older notation c.5049+5delA).
Molecular consequence: intron variant.
Genome position (GRCh38, 1-based): chr14:102,004,688, A deleted; the last of 3 consecutive A bases (chr14:102,004,686-102,004,688); deleting any one gives the same sequence. VCF-style (leftmost placement, unchanged base first): chr14-102004685-TA-T. GRCh37 (hg19) VCF-style: chr14-102471022-TA-T.
Identifiers: ClinVar variation 1063643 (VCV001063643.7), dbSNP rs936106375, ClinGen allele CA266997421.